The following is an entry in ClinVar:

ClinVar aggregate classification (germline): Uncertain significance (1 of 4 stars; one submission).

Allele frequency attached by ClinVar (database versions not stated): ExAC 0.00001; gnomAD 0.00001; TOPMed 0.00001.
gnomAD v4.1: 25 of 1,613,614 alleles (0.0015%); highest among the groups gnomAD compares: Non-Finnish European, 0.0021%; no homozygotes.

Submission:

Labcorp Genetics (formerly Invitae), Labcorp
Classification: Uncertain significance. Last evaluated: 2025-04-17. Review status: criteria provided, single submitter. Criteria: Invitae Variant Classification Sherloc (09022015). Collection method: clinical testing. Allele origin: germline.
Comment: This sequence change replaces proline, which is neutral and non-polar, with alanine, which is neutral and non-polar, at codon 164 of the BMPER protein (p.Pro164Ala). This variant is present in population databases (rs751184182, gnomAD 0.0009%). This variant has not been reported in the literature in individuals affected with BMPER-related conditions. ClinVar contains an entry for this variant (Variation ID: 2198747). Invitae Evidence Modeling of protein sequence and biophysical properties (such as structural, functional, and spatial information, amino acid conservation, physicochemical variation, residue mobility, and thermodynamic stability) indicates that this missense variant is not expected to disrupt BMPER protein function with a negative predictive value of 80%. In summary, the available evidence is currently insufficient to determine the role of this variant in disease. Therefore, it has been classified as a Variant of Uncertain Significance.

NM_001365308.1(BMPER):c.490C>G (p.Pro164Ala)

Gene: BMPER (BMP binding endothelial regulator; plus strand). Cytogenetic location: 7p14.3.
Variant type: single nucleotide variant.
Coding change: c.490C>G on transcript NM_001365308.1 (MANE Select); coding-DNA position 490, C replaced by G.
Protein change: p.Pro164Ala; replaces proline 164 with alanine.
Molecular consequence: missense variant.
Genome position (GRCh38, 1-based): chr7:33,970,416, C>G. VCF-style: chr7-33970416-C-G. GRCh37 (hg19) VCF-style: chr7-34010028-C-G.
Other names: c.490C>G, p.Pro164Ala (NM_001410872.1, NM_133468.5); short protein forms P164A.
Identifiers: ClinVar variation 2198747 (VCV002198747.4), dbSNP rs751184182, ClinGen allele CA4215082.